The following is an entry in ClinVar:

NM_001272071.2(AP1S2):c.199T>C (p.Cys67Arg)

Gene: AP1S2 (adaptor related protein complex 1 subunit sigma 2; minus strand). Cytogenetic location: Xp22.2.
Variant type: single nucleotide variant.
Coding change: c.199T>C on transcript NM_001272071.2 (MANE Select); coding-DNA position 199, T replaced by C.
Protein change: p.Cys67Arg; replaces cysteine 67 with arginine.
Molecular consequence: missense variant. On other transcripts: non-coding transcript variant (2).
Genome position (GRCh38, 1-based): chrX:15,845,992, A>G on the plus strand (T>C on the coding strand, the complement: AP1S2 is on the minus strand). VCF-style: chrX-15845992-A-G. GRCh37 (hg19) VCF-style: chrX-15864115-A-G.
Other names: c.199T>C, p.Cys67Arg (NM_001368994.1, NM_001369007.1, NM_001369008.1 and 1 more transcripts); short protein forms C67R.
Identifiers: ClinVar variation 3764328 (VCV003764328.1).

ClinVar aggregate classification (germline): Uncertain significance (1 of 4 stars; one submission).

Submission:

GeneDx
Classification: Uncertain significance. Last evaluated: 2024-08-18. Review status: criteria provided, single submitter. Criteria: GeneDx Variant Classification Process June 2021. Collection method: clinical testing. Allele origin: germline. Affected: yes.
Comment: Not observed at significant frequency in large population cohorts (gnomAD); In silico analysis supports that this missense variant has a deleterious effect on protein structure/function; Has not been previously published as pathogenic or benign to our knowledge